The following is an entry in ClinVar:

ClinVar aggregate classification (germline): Uncertain significance (1 of 4 stars; one submission).

Submission:

Labcorp Genetics (formerly Invitae), Labcorp
Classification: Uncertain significance. Last evaluated: 2022-06-23. Review status: criteria provided, single submitter. Criteria: Invitae Variant Classification Sherloc (09022015). Collection method: clinical testing. Allele origin: germline.
Comment: This variant is not present in population databases (gnomAD no frequency). This sequence change creates a premature translational stop signal (p.Asn74Metfs*5) in the VCAN gene. It is expected to result in an absent or disrupted protein product. However, the current clinical and genetic evidence is not sufficient to establish whether loss-of-function variants in VCAN cause disease. This variant has not been reported in the literature in individuals affected with VCAN-related conditions. In summary, the available evidence is currently insufficient to determine the role of this variant in disease. Therefore, it has been classified as a Variant of Uncertain Significance.

NM_004385.5(VCAN):c.221del (p.Asn74fs)

Gene: VCAN (versican; plus strand). Cytogenetic location: 5q14.2.
Variant type: Deletion.
Coding change: c.221del on transcript NM_004385.5 (MANE Select); coding-DNA position 221, one base deleted (A; older notation c.221delA).
Protein change: p.Asn74fs; shifts the reading frame from asparagine 74.
Molecular consequence: frameshift variant.
Genome position (GRCh38, 1-based): chr5:83,490,248, A deleted; the last of 5 consecutive A bases (chr5:83,490,244-83,490,248); deleting any one gives the same sequence. VCF-style (leftmost placement, unchanged base first): chr5-83490243-CA-C. GRCh37 (hg19) VCF-style: chr5-82786062-CA-C.
Other names: c.221del, p.Asn74fs (NM_001126336.3, NM_001164097.2, NM_001164098.2); short protein forms N74fs.
Identifiers: ClinVar variation 2009982 (VCV002009982.4), dbSNP rs2478964057, ClinGen allele CA645561893.
Genomic context (GRCh38, chr5:83,490,243, plus strand): 5'-GCCACCCAGTTACAACACCAGTGAATTTCTCCGCATCAAATGGTCTAAGATTGAAGTGGA[CA>C]AAAATGGAAAAGATTTGAAAGAGACTACTGTCCTTGTGGCCCAAAATGGAAATATCAAGA-3'